The following is an entry in ClinVar:

NM_001903.5(CTNNA1):c.588+4C>T

Gene: CTNNA1 (catenin alpha 1; plus strand). Cytogenetic location: 5q31.2.
Variant type: single nucleotide variant.
Coding change: c.588+4C>T on transcript NM_001903.5 (MANE Select); 4 bases into the intron after coding-DNA position 588, C replaced by T.
Molecular consequence: intron variant.
Genome position (GRCh38, 1-based): chr5:138,812,306, C>T. VCF-style: chr5-138812306-C-T. GRCh37 (hg19) VCF-style: chr5-138147995-C-T.
Other names: c.588+4C>T (NM_001323982.2, NM_001323984.2, NM_001290307.3 and 3 more transcripts); c.219+4C>T (NM_001290310.3); c.279+4C>T (NM_001290309.3).
Identifiers: ClinVar variation 651857 (VCV000651857.9), dbSNP rs757902181, ClinGen allele CA3431482.

ClinVar aggregate classification (germline): Uncertain significance. Review status: criteria provided, multiple submitters, no conflicts (2 of 4 stars). 2 submissions from 2 submitters: Uncertain significance (2). Last evaluated 2024-09-22.

Conditions:
Hereditary cancer-predisposing syndrome. Also called: Neoplastic Syndromes, Hereditary; Tumor predisposition; Hereditary Cancer Syndrome; Hereditary neoplastic syndrome. Identifiers: Orphanet 140162, MedGen C0027672, MeSH D009386, MONDO:0015356.

Allele frequency attached by ClinVar (database versions not stated): ExAC 0.00001; gnomAD exomes 0.00001.
gnomAD v4.1: 7 of 1,609,376 alleles (0.00043%); highest among the groups gnomAD compares: Admixed American, 0.0017%; no homozygotes.

Submissions (2):

Labcorp Genetics (formerly Invitae), Labcorp
Classification: Uncertain significance. Last evaluated: 2024-09-22. Review status: criteria provided, single submitter. Criteria: Invitae Variant Classification Sherloc (09022015). Collection method: clinical testing. Allele origin: germline.
Comment: This sequence change falls in intron 5 of the CTNNA1 gene. It does not directly change the encoded amino acid sequence of the CTNNA1 protein. It affects a nucleotide within the consensus splice site. This variant is present in population databases (rs757902181, gnomAD 0.003%). This variant has not been reported in the literature in individuals affected with CTNNA1-related conditions. ClinVar contains an entry for this variant (Variation ID: 651857). Variants that disrupt the consensus splice site are a relatively common cause of aberrant splicing (PMID: 17576681, 9536098). Algorithms developed to predict the effect of sequence changes on RNA splicing suggest that this variant is not likely to affect RNA splicing. In summary, the available evidence is currently insufficient to determine the role of this variant in disease. Therefore, it has been classified as a Variant of Uncertain Significance.

Ambry Genetics
Classification: Uncertain significance for Hereditary cancer-predisposing syndrome. Last evaluated: 2020-12-15. Review status: criteria provided, single submitter. Criteria: Ambry Variant Classification Scheme 2023. Collection method: clinical testing. Allele origin: germline.
Comment: The c.588+4C>T intronic variant results from a C to T substitution 4 nucleotides after coding exon 4 in the CTNNA1 gene. This nucleotide position is not well conserved in available vertebrate species. In silico splice site analysis predicts that this alteration will not have any significant effect on splicing. Since supporting evidence is limited at this time, the clinical significance of this alteration remains unclear.

Literature cited by the submitters: PubMed 17576681 (cited by Labcorp Genetics (formerly Invitae), Labcorp); PubMed 9536098 (cited by Labcorp Genetics (formerly Invitae), Labcorp).